The following is an entry in ClinVar:

ClinVar aggregate classification (germline): Uncertain significance. Review status: criteria provided, multiple submitters, no conflicts (2 of 4 stars). 2 submissions from 2 submitters: Uncertain significance (2). Last evaluated 2025-12-22.

Conditions:
Hereditary cancer-predisposing syndrome. Also called: Neoplastic Syndromes, Hereditary; Tumor predisposition; Hereditary Cancer Syndrome; Hereditary neoplastic syndrome. Identifiers: Orphanet 140162, MedGen C0027672, MeSH D009386, MONDO:0015356.

Submissions (2):

Labcorp Genetics (formerly Invitae), Labcorp
Classification: Uncertain significance. Last evaluated: 2025-12-22. Review status: criteria provided, single submitter. Criteria: Invitae Variant Classification Sherloc (09022015). Collection method: clinical testing. Allele origin: germline.
Comment: This sequence change replaces glutamic acid, which is acidic and polar, with lysine, which is basic and polar, at codon 291 of the FH protein (p.Glu291Lys). This variant is not present in population databases (gnomAD no frequency). This variant has not been reported in the literature in individuals affected with FH-related conditions. ClinVar contains an entry for this variant (Variation ID: 1764440). Invitae Evidence Modeling of protein sequence and biophysical properties (such as structural, functional, and spatial information, amino acid conservation, physicochemical variation, residue mobility, and thermodynamic stability) has been performed for this missense variant. However, the output from this modeling did not meet the statistical confidence thresholds required to predict the impact of this variant on FH protein function. In summary, the available evidence is currently insufficient to determine the role of this variant in disease. Therefore, it has been classified as a Variant of Uncertain Significance.

Ambry Genetics
Classification: Uncertain significance for Hereditary cancer-predisposing syndrome. Last evaluated: 2020-03-20. Review status: criteria provided, single submitter. Criteria: Ambry Variant Classification Scheme 2023. Collection method: clinical testing. Allele origin: germline.
Comment: The p.E291K variant (also known as c.871G>A), located in coding exon 6 of the FH gene, results from a G to A substitution at nucleotide position 871. The glutamic acid at codon 291 is replaced by lysine, an amino acid with similar properties. This amino acid position is highly conserved in available vertebrate species. In addition, this alteration is predicted to be deleterious by in silico analysis. Since supporting evidence is limited at this time, the clinical significance of this alteration remains unclear.

NM_000143.4(FH):c.871G>A (p.Glu291Lys)

Gene: FH (fumarate hydratase; minus strand). Cytogenetic location: 1q43.
Variant type: single nucleotide variant.
Coding change: c.871G>A on transcript NM_000143.4 (MANE Select); coding-DNA position 871, G replaced by A.
Protein change: p.Glu291Lys; replaces glutamic acid 291 with lysine.
Molecular consequence: missense variant.
Genome position (GRCh38, 1-based): chr1:241,506,036, C>T on the plus strand (G>A on the coding strand, the complement: FH is on the minus strand). VCF-style: chr1-241506036-C-T. GRCh37 (hg19) VCF-style: chr1-241669336-C-T.
Other names: short protein forms E291K.
Identifiers: ClinVar variation 1764440 (VCV001764440.3), dbSNP rs2147917544, ClinGen allele CA345438852.